The following is an entry in ClinVar:

NM_000038.6(APC):c.6192T>G (p.Ser2064Arg)

Gene: APC (APC regulator of Wnt signaling pathway; plus strand). Cytogenetic location: 5q22.2.
Variant type: single nucleotide variant.
Coding change: c.6192T>G on transcript NM_000038.6 (MANE Select); coding-DNA position 6192, T replaced by G.
Protein change: p.Ser2064Arg; replaces serine 2064 with arginine.
Molecular consequence: missense variant. On other transcripts: non-coding transcript variant (2).
Genome position (GRCh38, 1-based): chr5:112,841,786, T>G. VCF-style: chr5-112841786-T-G. GRCh37 (hg19) VCF-style: chr5-112177483-T-G.
Other names: c.6192T>G, p.Ser2064Arg (NM_001127510.3, NM_001354895.2, NM_001407450.1); c.6138T>G, p.Ser2046Arg (NM_001127511.3); c.6246T>G, p.Ser2082Arg (NM_001354896.2, NM_001407447.1, NM_001407448.1 and 1 more transcripts); c.6222T>G, p.Ser2074Arg (NM_001354897.2); c.6117T>G, p.Ser2039Arg (NM_001354898.2); c.6108T>G, p.Ser2036Arg (NM_001354899.2); c.6069T>G, p.Ser2023Arg (NM_001354900.2); c.6015T>G, p.Ser2005Arg (NM_001354901.2, NM_001407453.1); and 11 more; short protein forms S1680R, S1781R, S1904R, S1938R, S1973R, S2046R, S2082R, S2005R.
Identifiers: ClinVar variation 3928474 (VCV003928474.1).
Genomic context (GRCh38, chr5:112,841,786, plus strand): 5'-CTCCGCAATGCCAAAAAAGAAAAAGCCTTCAAGACTCAAGGGTGATAATGAAAAACATAG[T>G]CCCAGAAATATGGGTGGCATATTAGGTGAAGATCTGACACTTGATTTGAAAGATATACAG-3'
Protein context (NP_000029.2, residues 2054-2074): SRLKGDNEKH[Ser2064Arg]PRNMGGILGE

ClinVar aggregate classification (germline): Uncertain significance (1 of 4 stars; one submission).

Conditions:
Hereditary cancer-predisposing syndrome. Also called: Hereditary Cancer Syndrome; Hereditary neoplastic syndrome; Neoplastic Syndromes, Hereditary; Tumor predisposition. Identifiers: Orphanet 140162, MedGen C0027672, MeSH D009386, MONDO:0015356.

Submission:

Ambry Genetics
Classification: Uncertain significance for Hereditary cancer-predisposing syndrome. Last evaluated: 2025-04-03. Review status: criteria provided, single submitter. Criteria: Ambry Variant Classification Scheme 2023. Collection method: clinical testing. Allele origin: germline.
Comment: The p.S2064R variant (also known as c.6192T>G), located in coding exon 15 of the APC gene, results from a T to G substitution at nucleotide position 6192. The serine at codon 2064 is replaced by arginine, an amino acid with dissimilar properties. This amino acid position is conserved. In addition, in silico predictors for this gene do not accurately predict pathogenicity. Based on the available evidence, the clinical significance of this variant remains unclear.